The following is an entry in ClinVar:

NM_005585.5(SMAD6):c.1169G>A (p.Gly390Asp)

Gene: SMAD6 (SMAD family member 6; plus strand). Cytogenetic location: 15q22.31.
Variant type: single nucleotide variant.
Coding change: c.1169G>A on transcript NM_005585.5 (MANE Select); coding-DNA position 1169, G replaced by A.
Protein change: p.Gly390Asp; replaces glycine 390 with aspartic acid.
Molecular consequence: missense variant. On other transcripts: non-coding transcript variant (1).
Genome position (GRCh38, 1-based): chr15:66,781,213, G>A. VCF-style: chr15-66781213-G-A. GRCh37 (hg19) VCF-style: chr15-67073551-G-A.
Other names: short protein forms G390D.
Identifiers: ClinVar variation 1739000 (VCV001739000.2), dbSNP rs1469057483, ClinGen allele CA393202004.

ClinVar aggregate classification (germline): Uncertain significance (1 of 4 stars; one submission).

Conditions:
Inborn genetic diseases. Identifiers: MedGen C0950123, MeSH D030342.

Allele frequency attached by ClinVar (database versions not stated): gnomAD exomes below 0.00001.
gnomAD v4.1: 2 of 1,608,494 alleles (0.00012%); highest among the groups gnomAD compares: Non-Finnish European, 0.000085%; no homozygotes.

Submission:

Ambry Genetics
Classification: Uncertain significance for Inborn genetic diseases. Last evaluated: 2021-08-16. Review status: criteria provided, single submitter. Criteria: Ambry Variant Classification Scheme 2023. Collection method: clinical testing. Allele origin: germline.
Comment: The p.G390D variant (also known as c.1169G>A), located in coding exon 4 of the SMAD6 gene, results from a G to A substitution at nucleotide position 1169. The glycine at codon 390 is replaced by aspartic acid, an amino acid with similar properties. This amino acid position is conserved. In addition, this alteration is predicted to be deleterious by in silico analysis. Since supporting evidence is limited at this time, the clinical significance of this alteration remains unclear.